The following is an entry in ClinVar:

ClinVar aggregate classification (germline): Likely pathogenic (1 of 4 stars; one submission).

Conditions:
Muscular dystrophy-dystroglycanopathy (congenital with brain and eye anomalies), type A3. Also called: WALKER-WARBURG SYNDROME OR MUSCLE-EYE-BRAIN DISEASE, POMGNT1-RELATED; Congenital muscular dystrophy-dystroglycanopathy with brain and eye anomalies, type A3; Muscular dystrophy-dystroglycanopathy (congenital with brain and eye anomalies), type A, 3. Identifiers: MedGen C3151519, MONDO:0009667, OMIM 253280.

Submission:

Myriad Genetics, Inc.
Classification: Likely pathogenic for Muscular dystrophy-dystroglycanopathy (congenital with brain and eye anomalies), type A3. Last evaluated: 2022-03-14. Review status: criteria provided, single submitter. Criteria: Myriad Women's Health Autosomal Recessive and X-Linked Classification Criteria (2021). Collection method: clinical testing. Allele origin: unknown.
Comment: NM_017739.3(POMGNT1):c.106_107delCG(R36Efs*31) is expected to be pathogenic in the context of POMGNT-related disorders. This variant is predicted to lead to an abnormal or absent protein product due to the creation of a premature termination codon in POMGNT1, a gene where loss-of-function variants are known to be pathogenic. Please note: this variant was assessed in the context of healthy population screening.

NM_017739.4(POMGNT1):c.106_107del (p.Arg36fs)

Gene: POMGNT1 (protein O-linked mannose N-acetylglucosaminyltransferase 1 (beta 1,2-); minus strand). Cytogenetic location: 1p34.1.
Variant type: Deletion.
Coding change: c.106_107del on transcript NM_017739.4 (MANE Select); coding-DNA positions 106 to 107, 2 bases deleted (CG; older notation c.106_107delCG).
Protein change: p.Arg36fs; shifts the reading frame from arginine 36.
Molecular consequence: frameshift variant.
Genome position (GRCh38, 1-based): chr1:46,197,715-46,197,716, CG deleted on the plus strand (CG on the coding strand, the reverse complement: POMGNT1 is on the minus strand); deleting any 2 consecutive bases within chr1:46,197,715-46,197,717 gives the same sequence; the c. name uses the placement nearest the transcript's 3' end. VCF-style (leftmost placement, unchanged base first): chr1-46197714-CCG-C. GRCh37 (hg19) VCF-style: chr1-46663386-CCG-C.
Other names: c.106_107del, p.Arg36fs (NM_001243766.2); c.105_106delGC, p.Arg36Glufs (NM_001410783.1); short protein forms R36fs.
Identifiers: ClinVar variation 1725210 (VCV001725210.2), dbSNP rs2525475600, ClinGen allele CA2580063009.